The following is an entry in ClinVar:

NM_001035.3(RYR2):c.9095_9098del (p.Cys3032fs)

Gene: RYR2 (ryanodine receptor 2; plus strand). Cytogenetic location: 1q43.
Variant type: Deletion.
Coding change: c.9095_9098del on transcript NM_001035.3 (MANE Select); coding-DNA positions 9095 to 9098, 4 bases deleted (GTCT; older notation c.9095_9098delGTCT).
Protein change: p.Cys3032fs; shifts the reading frame from cysteine 3032.
Molecular consequence: frameshift variant.
Genome position (GRCh38, 1-based): chr1:237,698,992-237,698,995, GTCT deleted; deleting any 4 consecutive bases within chr1:237,698,990-237,698,995 gives the same sequence; the c. name uses the placement nearest the transcript's 3' end. VCF-style (leftmost placement, unchanged base first): chr1-237698989-ACTGT-A. GRCh37 (hg19) VCF-style: chr1-237862289-ACTGT-A.
Other names: short protein forms C3032fs.
Identifiers: ClinVar variation 2770979 (VCV002770979.3), dbSNP rs2547355634, ClinGen allele CA2697547742.
Genomic context (GRCh38, chr1:237,698,989, plus strand): 5'-CAGGGCAATTTATACAGCATTTTGTTTCCTCTTTAGGCAATGATGCAACATCAATTGTCA[ACTGT>A]CTTCATATTTTGGGTCAGACTTTGGATGCAAGGTAAATGGATACATTTTTACCTAAATAA-3'

ClinVar aggregate classification (germline): Uncertain significance (1 of 4 stars; one submission).

Conditions:
Catecholaminergic polymorphic ventricular tachycardia 1. Also called: RYR2-Related Catecholaminergic Polymorphic Ventricular Tachycardia; VENTRICULAR TACHYCARDIA, STRESS-INDUCED POLYMORPHIC 1; VENTRICULAR TACHYCARDIA, CATECHOLAMINERGIC POLYMORPHIC, 1, WITH OR WITHOUT ATRIAL DYSFUNCTION AND/OR DILATED CARDIOMYOPATHY. Identifiers: Orphanet 3286, MedGen C1631597, MONDO:0011484, OMIM 604772.

Submission:

Labcorp Genetics (formerly Invitae), Labcorp
Classification: Uncertain significance for Catecholaminergic polymorphic ventricular tachycardia 1. Last evaluated: 2023-10-22. Review status: criteria provided, single submitter. Criteria: Invitae Variant Classification Sherloc (09022015). Collection method: clinical testing. Allele origin: germline.
Comment: This sequence change creates a premature translational stop signal (p.Cys3032Phefs*13) in the RYR2 gene. It is expected to result in an absent or disrupted protein product. However, the current clinical and genetic evidence is not sufficient to establish whether loss-of-function variants in RYR2 cause disease. This variant is not present in population databases (gnomAD no frequency). This variant has not been reported in the literature in individuals affected with RYR2-related conditions. In summary, the available evidence is currently insufficient to determine the role of this variant in disease. Therefore, it has been classified as a Variant of Uncertain Significance.